The following is an entry in ClinVar:

NM_000322.5(PRPH2):c.652T>C (p.Ser218Pro)

Gene: PRPH2 (peripherin 2; minus strand). Cytogenetic location: 6p21.1.
Variant type: single nucleotide variant.
Coding change: c.652T>C on transcript NM_000322.5 (MANE Select); coding-DNA position 652, T replaced by C.
Protein change: p.Ser218Pro; replaces serine 218 with proline.
Molecular consequence: missense variant.
Genome position (GRCh38, 1-based): chr6:42,704,541, A>G on the plus strand (T>C on the coding strand, the complement: PRPH2 is on the minus strand). VCF-style: chr6-42704541-A-G. GRCh37 (hg19) VCF-style: chr6-42672279-A-G.
Other names: short protein forms S218P.
Identifiers: ClinVar variation 636194 (VCV000636194.8), dbSNP rs1582764878, ClinGen allele CA364135508.

ClinVar aggregate classification (germline): Pathogenic. Review status: criteria provided, single submitter (1 of 4 stars). 3 submissions from 3 submitters: Pathogenic (1). 2 of the submissions do not count toward it. Last evaluated 2025-04-28.

Conditions:
PRPH2-related disorder. Also called: PRPH2-related disorders; PRPH2-related condition. Identifiers: MedGen CN239395.
Retinitis pigmentosa (RP). Identifiers: Orphanet 791, MedGen C0035334, MeSH D012174, MONDO:0019200, OMIM 268000. Inheritance: Autosomal dominant, autosomal recessive and X linked inheritance.

gnomAD v4.1: 1 of 1,614,164 alleles (0.000062%); highest among the groups gnomAD compares: South Asian, 0.0011%; no homozygotes.

Submissions (3):

Labcorp Genetics (formerly Invitae), Labcorp
Classification: Pathogenic for PRPH2-related disorder. Last evaluated: 2025-04-28. Review status: criteria provided, single submitter. Criteria: Invitae Variant Classification Sherloc (09022015). Collection method: clinical testing. Allele origin: germline.
Comment: This sequence change replaces serine, which is neutral and polar, with proline, which is neutral and non-polar, at codon 218 of the PRPH2 protein (p.Ser218Pro). This variant is not present in population databases (gnomAD no frequency). This missense change has been observed in individuals with autosomal dominant retinitis pigmentosa and pattern dystrophy (PMID: 30718709, 34240658; internal data). ClinVar contains an entry for this variant (Variation ID: 636194). Invitae Evidence Modeling of protein sequence and biophysical properties (such as structural, functional, and spatial information, amino acid conservation, physicochemical variation, residue mobility, and thermodynamic stability) indicates that this missense variant is expected to disrupt PRPH2 protein function with a positive predictive value of 95%. For these reasons, this variant has been classified as Pathogenic.

Leiden Open Variation Database
Classification: Uncertain significance. Last evaluated: 2021-04-06. Review status: no assertion criteria provided. Collection method: curation. Allele origin: germline. Affected: yes. Not counted in ClinVar's aggregate classification.
Comment: Curator: Global Variome, with Curator vacancy. Submitter to LOVD: Manon Peeters.

Department of Clinical Genetics, Copenhagen University Hospital, Rigshospitalet
Classification: Uncertain significance for Retinitis pigmentosa. Last evaluated: 2018-04-01. Review status: no assertion criteria provided. Collection method: research. Allele origin: unknown. Affected: yes. Study: VeluxRD. Not counted in ClinVar's aggregate classification.

Literature cited by the submitters: PubMed 30718709 (cited by 3 submitters); PubMed 34240658 (cited by Labcorp Genetics (formerly Invitae), Labcorp).